The following is an entry in ClinVar:

NM_018026.4(PACS1):c.106C>G (p.Gln36Glu)

Gene: PACS1 (phosphofurin acidic cluster sorting protein 1; plus strand). Cytogenetic location: 11q13.1.
Variant type: single nucleotide variant.
Coding change: c.106C>G on transcript NM_018026.4 (MANE Select); coding-DNA position 106, C replaced by G.
Protein change: p.Gln36Glu; replaces glutamine 36 with glutamic acid.
Molecular consequence: missense variant.
Genome position (GRCh38, 1-based): chr11:66,070,592, C>G. VCF-style: chr11-66070592-C-G. GRCh37 (hg19) VCF-style: chr11-65838063-C-G.
Other names: c.106C>G (NM_018026.2); short protein forms Q36E.
Identifiers: ClinVar variation 1304268 (VCV001304268.3), dbSNP rs974507684, ClinGen allele CA223380739.

ClinVar aggregate classification (germline): Uncertain significance. Review status: criteria provided, multiple submitters, no conflicts (2 of 4 stars). 2 submissions from 2 submitters: Uncertain significance (2). Last evaluated 2025-08-07.

Conditions:
Inborn genetic diseases. Identifiers: MedGen C0950123, MeSH D030342.

Allele frequency attached by ClinVar (database versions not stated): TOPMed below 0.00001; gnomAD 0.00001; gnomAD exomes 0.00001.
gnomAD v4.1: 18 of 1,506,602 alleles (0.0012%); highest among the groups gnomAD compares: Non-Finnish European, 0.0015%; no homozygotes.

Submissions (2):

Ambry Genetics
Classification: Uncertain significance for Inborn genetic diseases. Last evaluated: 2025-08-07. Review status: criteria provided, single submitter. Criteria: Ambry Variant Classification Scheme 2023. Collection method: clinical testing. Allele origin: germline.

GeneDx
Classification: Uncertain significance. Last evaluated: 2020-11-24. Review status: criteria provided, single submitter. Criteria: GeneDx Variant Classification Process June 2021. Collection method: clinical testing. Allele origin: germline. Affected: yes.
Comment: Not observed in large population cohorts (Lek et al., 2016); In silico analysis supports that this missense variant does not alter protein structure/function; Has not been previously published as pathogenic or benign to our knowledge